The following is an entry in ClinVar:

NM_032119.4(ADGRV1):c.1567A>T (p.Met523Leu)

Gene: ADGRV1 (adhesion G protein-coupled receptor V1; plus strand). Cytogenetic location: 5q14.3.
Variant type: single nucleotide variant.
Coding change: c.1567A>T on transcript NM_032119.4 (MANE Select); coding-DNA position 1567, A replaced by T.
Protein change: p.Met523Leu; replaces methionine 523 with leucine.
Molecular consequence: missense variant. On other transcripts: non-coding transcript variant (1).
Genome position (GRCh38, 1-based): chr5:90,629,267, A>T. VCF-style: chr5-90629267-A-T. GRCh37 (hg19) VCF-style: chr5-89925084-A-T.
Other names: short protein forms M523L.
Identifiers: ClinVar variation 1977235 (VCV001977235.5), dbSNP rs190835338, ClinGen allele CA360373380.

ClinVar aggregate classification (germline): Uncertain significance (1 of 4 stars; one submission).

gnomAD v4.1: 2 of 1,611,170 alleles (0.00012%); highest among the groups gnomAD compares: Non-Finnish European, 0.00017%; no homozygotes.

Submission:

Labcorp Genetics (formerly Invitae), Labcorp
Classification: Uncertain significance. Last evaluated: 2022-05-24. Review status: criteria provided, single submitter. Criteria: Invitae Variant Classification Sherloc (09022015). Collection method: clinical testing. Allele origin: germline.
Comment: In summary, the available evidence is currently insufficient to determine the role of this variant in disease. Therefore, it has been classified as a Variant of Uncertain Significance. Algorithms developed to predict the effect of missense changes on protein structure and function output the following: SIFT: "Tolerated"; PolyPhen-2: "Benign"; Align-GVGD: "Class C0". The leucine amino acid residue is found in multiple mammalian species, which suggests that this missense change does not adversely affect protein function. This variant has not been reported in the literature in individuals affected with ADGRV1-related conditions. This variant is not present in population databases (gnomAD no frequency). This sequence change replaces methionine, which is neutral and non-polar, with leucine, which is neutral and non-polar, at codon 523 of the ADGRV1 protein (p.Met523Leu).